The following is an entry in ClinVar:

NM_002546.4(TNFRSF11B):c.983T>C (p.Leu328Pro)

Gene: TNFRSF11B (TNF receptor superfamily member 11b; minus strand). Cytogenetic location: 8q24.12.
Variant type: single nucleotide variant.
Coding change: c.983T>C on transcript NM_002546.4 (MANE Select); coding-DNA position 983, T replaced by C.
Protein change: p.Leu328Pro; replaces leucine 328 with proline.
Molecular consequence: missense variant.
Genome position (GRCh38, 1-based): chr8:118,924,597, A>G on the plus strand (T>C on the coding strand, the complement: TNFRSF11B is on the minus strand). VCF-style: chr8-118924597-A-G. GRCh37 (hg19) VCF-style: chr8-119936836-A-G.
Other names: short protein forms L328P.
Identifiers: ClinVar variation 2988428 (VCV002988428.3), dbSNP rs200218935, ClinGen allele CA184863325.

ClinVar aggregate classification (germline): Uncertain significance (1 of 4 stars; one submission).

Allele frequency attached by ClinVar (database versions not stated): gnomAD exomes below 0.00001.

Submission:

Labcorp Genetics (formerly Invitae), Labcorp
Classification: Uncertain significance. Last evaluated: 2025-09-08. Review status: criteria provided, single submitter. Criteria: Invitae Variant Classification Sherloc (09022015). Collection method: clinical testing. Allele origin: germline.
Comment: This sequence change replaces leucine, which is neutral and non-polar, with proline, which is neutral and non-polar, at codon 328 of the TNFRSF11B protein (p.Leu328Pro). This variant is not present in population databases (gnomAD no frequency). This variant has not been reported in the literature in individuals affected with TNFRSF11B-related conditions. ClinVar contains an entry for this variant (Variation ID: 2988428). Invitae Evidence Modeling of protein sequence and biophysical properties (such as structural, functional, and spatial information, amino acid conservation, physicochemical variation, residue mobility, and thermodynamic stability) indicates that this missense variant is expected to disrupt TNFRSF11B protein function with a positive predictive value of 80%. In summary, the available evidence is currently insufficient to determine the role of this variant in disease. Therefore, it has been classified as a Variant of Uncertain Significance.